The following is an entry in ClinVar:

ClinVar aggregate classification (germline): Uncertain significance (1 of 4 stars; one submission).

Conditions:
Harel-Yoon syndrome (HAYOS). Also called: Optic atrophy-peripheral neuropathy-developmental delay syndrome. Identifiers: Orphanet 496790, MedGen C4310677, MONDO:0014958, OMIM 617183.

gnomAD v4.1: 21 of 1,545,014 alleles (0.0014%); highest among the groups gnomAD compares: South Asian, 0.023%; no homozygotes.

Submission:

Victorian Clinical Genetics Services, Murdoch Childrens Research Institute
Classification: Uncertain significance for Harel-Yoon syndrome. Last evaluated: 2020-05-21. Review status: criteria provided, single submitter. Criteria: ACMG Guidelines, 2015. Collection method: clinical testing. Allele origin: germline.
Comment: Based on the classification scheme VCGS_Germline_v1.1.1, this variant is classified as 3B - VUS. Following criteria are met: 0102 - Loss-of-function is a known mechanism of disease for this gene, where missense resulted in reduced protein levels (PMID:31727539). (N) 0104 - Dominant Negative is a mechanism of disease for this gene, where mutant protein interferes with enzyme activity (PMID:28158749). (N) 0108 - This gene is known to be associated with both recessive and dominant disease, but where is no clear genotype-gene inheritance relationship (OMIM). Rearrangements are frequently reported in this gene (PMID: 31727539). (N) 0200 - Variant is predicted to result in a missense amino acid change from a glutamic acid to an alanine (exon 3). (N) 0251 - Variant is heterozygous. (N) 0302 - Variant is present in gnomAD 0.001 for a dominant condition (3 heterozygotes, 0 homozygotes). (P) 0501 - Missense variant with conflicting in silicos and is highly conserved with a major amino acid change. (P) 0600 - Variant is located in an annotated domain or motif (DUF3523 Domain of Unknown Function; PDB, NCBI). (N) 0705 - No comparable variants have previous evidence for pathogenicity. (N) 0807 - Variant has not previously been reported in a clinical context. (N) 0905 - No segregation evidence has been identified for this variant. (N) 1007 - No published functional evidence has been identified for this variant. (N) Legend: (P) - Pathogenic, (N) - Neutral, (B) - Benign

Literature cited by the submitters: PubMed 28158749; PubMed 31727539.

NM_001170535.3(ATAD3A):c.302A>C (p.Glu101Ala)

Gene: ATAD3A (ATPase family AAA domain containing 3A; plus strand). Cytogenetic location: 1p36.33.
Variant type: single nucleotide variant.
Coding change: c.302A>C on transcript NM_001170535.3 (MANE Select); coding-DNA position 302, A replaced by C.
Protein change: p.Glu101Ala; replaces glutamic acid 101 with alanine.
Molecular consequence: missense variant.
Genome position (GRCh38, 1-based): chr1:1,517,330, A>C. VCF-style: chr1-1517330-A-C. GRCh37 (hg19) VCF-style: chr1-1452710-A-C.
Other names: c.65A>C, p.Glu22Ala (NM_001170536.3); c.446A>C, p.Glu149Ala (NM_018188.5); short protein forms E101A, E149A, E22A.
Identifiers: ClinVar variation 3376741 (VCV003376741.1).
Genomic context (GRCh38, chr1:1,517,330, plus strand): 5'-GCCCTGAGCAAGTGCCAGCTGGTGAGTGCTGTGCTCTGCAGGAGTATGAGGCCGCCGTGG[A>C]GCAGCTCAAGAGCGAGCAGATCCGGGCGCAGGCTGAGGAGAGGAGGAAGACCCTGAGCGA-3'
Protein context (NP_001164006.1, residues 91-111): SKLKEYEAAV[Glu101Ala]QLKSEQIRAQ